The following is an entry in ClinVar:

ClinVar aggregate classification (germline): Uncertain significance. Review status: criteria provided, multiple submitters, no conflicts (2 of 4 stars). 5 submissions from 5 submitters: Uncertain significance (4). 1 of the submissions does not count toward it. Last evaluated 2024-10-16.

Conditions:
CEP290-related disorder. Also called: CEP290-related disorders; CEP290-related condition. Identifiers: MedGen CN239314.
Senior-Loken syndrome 6 (SLSN6). Identifiers: Orphanet 3156, MedGen C1857779, MONDO:0012433, OMIM 610189.
Joubert syndrome 5 (JBTS5). Identifiers: Orphanet 2318, MedGen C1857780, MONDO:0012432, OMIM 610188.
Leber congenital amaurosis 10 (LCA10). Identifiers: Orphanet 65, MedGen C1857821, MONDO:0012723, OMIM 611755.
Meckel syndrome, type 4 (MKS4). Also called: MECKEL-GRUBER SYNDROME, TYPE 4. Identifiers: Orphanet 564, MedGen C1970161, MONDO:0012626, OMIM 611134.
Bardet-Biedl syndrome 14 (BBS14). Identifiers: Orphanet 110, MedGen C2673874, MONDO:0014442, OMIM 615991.
Nephronophthisis. Also called: Juvenile Nephronophthisis. Identifiers: Orphanet 655, MedGen C0687120, MONDO:0019005, HP:0000090.
Joubert syndrome. Also called: JOUBERT-BOLTSHAUSER SYNDROME; Familial aplasia of the vermis. Identifiers: Orphanet 475, MedGen C5979921, MONDO:0018772.
Meckel-Gruber syndrome. Also called: Dysencephalia splachnocystica; DYSENCEPHALIA SPLANCHNOCYSTICA; GRUBER SYNDROME. Identifiers: Orphanet 564, MedGen C0265215, MONDO:0018921.
Inborn genetic diseases. Identifiers: MedGen C0950123, MeSH D030342.

Allele frequency attached by ClinVar (database versions not stated): gnomAD 0.00001; gnomAD exomes 0.00003 and 0.00009; TOPMed 0.00005; ExAC 0.00007.
gnomAD v4.1: 42 of 1,610,764 alleles (0.0026%); highest among the groups gnomAD compares: Admixed American, 0.037%; no homozygotes.

Submissions (5):

Labcorp Genetics (formerly Invitae), Labcorp
Classification: Uncertain significance for Joubert syndrome; Meckel-Gruber syndrome; Nephronophthisis. Last evaluated: 2024-10-16. Review status: criteria provided, single submitter. Criteria: Invitae Variant Classification Sherloc (09022015). Collection method: clinical testing. Allele origin: germline.
Comment: This sequence change replaces arginine, which is basic and polar, with cysteine, which is neutral and slightly polar, at codon 1093 of the CEP290 protein (p.Arg1093Cys). This variant is present in population databases (rs778508890, gnomAD 0.06%). This variant has not been reported in the literature in individuals affected with CEP290-related conditions. ClinVar contains an entry for this variant (Variation ID: 1411380). Invitae Evidence Modeling of protein sequence and biophysical properties (such as structural, functional, and spatial information, amino acid conservation, physicochemical variation, residue mobility, and thermodynamic stability) indicates that this missense variant is expected to disrupt CEP290 protein function with a positive predictive value of 80%. In summary, the available evidence is currently insufficient to determine the role of this variant in disease. Therefore, it has been classified as a Variant of Uncertain Significance.

Ambry Genetics
Classification: Uncertain significance for Inborn genetic diseases. Last evaluated: 2024-09-27. Review status: criteria provided, single submitter. Criteria: Ambry Variant Classification Scheme 2023. Collection method: clinical testing. Allele origin: germline.

Fulgent Genetics
Classification: Uncertain significance for Joubert syndrome 5; Senior-Loken syndrome 6; Meckel syndrome, type 4; Leber congenital amaurosis 10; Bardet-Biedl syndrome 14. Last evaluated: 2024-06-24. Review status: criteria provided, single submitter. Criteria: ACMG Guidelines, 2015. Collection method: clinical testing. Allele origin: germline.

Blueprint Genetics
Classification: Uncertain significance. Last evaluated: 2023-01-19. Review status: criteria provided, single submitter. Criteria: ACMG Guidelines, 2015. Collection method: clinical testing. Allele origin: germline.

PreventionGenetics, part of Exact Sciences
Classification: Uncertain significance for CEP290-related condition. Last evaluated: 2024-03-07. Review status: no assertion criteria provided. Collection method: clinical testing. Allele origin: germline. Not counted in ClinVar's aggregate classification.
Comment: The CEP290 c.3277C>T variant is predicted to result in the amino acid substitution p.Arg1093Cys. To our knowledge, this variant has not been reported in the literature. This variant is reported in 0.059% of alleles in individuals of Latino descent in gnomAD, which is likely too common for an undocumented disease-causing variant. Although we suspect that this variant may be benign, at this time, the clinical significance of this variant is uncertain due to the absence of conclusive functional and genetic evidence.

NM_025114.4(CEP290):c.3277C>T (p.Arg1093Cys)

Gene: CEP290 (centrosomal protein 290; minus strand). Cytogenetic location: 12q21.32.
Variant type: single nucleotide variant.
Coding change: c.3277C>T on transcript NM_025114.4 (MANE Select); coding-DNA position 3277, C replaced by T.
Protein change: p.Arg1093Cys; replaces arginine 1093 with cysteine.
Molecular consequence: missense variant.
Genome position (GRCh38, 1-based): chr12:88,093,802, G>A on the plus strand (C>T on the coding strand, the complement: CEP290 is on the minus strand). VCF-style: chr12-88093802-G-A. GRCh37 (hg19) VCF-style: chr12-88487579-G-A.
Other names: c.3277C>T (NM_025114.3); short protein forms R1093C.
Identifiers: ClinVar variation 1411380 (VCV001411380.11), dbSNP rs778508890, ClinGen allele CA6712181.
Genomic context (GRCh38, chr12:88,093,802, plus strand): 5'-TTGTATGATAAAACTTATAATATCAAACCTCAGCAAATTTGGTTTCCAATTCAAAATTAC[G>A]TTCCTCCATTTGCTTTAACGAAGTCCGTAAGTGTTCATACATTTTTTGACAATGTTCAGC-3'
Protein context (NP_079390.3, residues 1083-1103): LRTSLKQMEE[Arg1093Cys]NFELETKFAE